The following is an entry in ClinVar:

ClinVar aggregate classification (germline): Benign/Likely benign. Review status: criteria provided, multiple submitters, no conflicts (2 of 4 stars). 3 submissions from 3 submitters: Benign (1); Likely benign (2). Last evaluated 2026-01-27.

Conditions:
Oligodontia-cancer predisposition syndrome. Also called: TOOTH AGENESIS-COLORECTAL CANCER SYNDROME. Identifiers: Orphanet 300576, MedGen C1837750, MONDO:0012075, OMIM 608615. Disease mechanism: loss of function.
Hereditary cancer-predisposing syndrome. Also called: Neoplastic Syndromes, Hereditary; Tumor predisposition; Hereditary Cancer Syndrome; Hereditary neoplastic syndrome. Identifiers: Orphanet 140162, MedGen C0027672, MeSH D009386, MONDO:0015356.

Submissions (3):

Labcorp Genetics (formerly Invitae), Labcorp
Classification: Likely benign for Oligodontia-cancer predisposition syndrome. Last evaluated: 2026-01-27. Review status: criteria provided, single submitter. Criteria: Invitae Variant Classification Sherloc (09022015). Collection method: clinical testing. Allele origin: germline.

Myriad Genetics, Inc.
Classification: Benign for Oligodontia-cancer predisposition syndrome. Last evaluated: 2024-07-09. Review status: criteria provided, single submitter. Criteria: Myriad Autosomal Dominant, Autosomal Recessive and X-Linked Classification Criteria (2023). Collection method: clinical testing. Allele origin: unknown.
Comment: This variant is considered benign. This variant is a silent/synonymous amino acid change and it is not expected to impact splicing.

Ambry Genetics
Classification: Likely benign for Hereditary cancer-predisposing syndrome. Last evaluated: 2023-05-28. Review status: criteria provided, single submitter. Criteria: Ambry Variant Classification Scheme 2023. Collection method: clinical testing. Allele origin: germline.

NM_004655.4(AXIN2):c.1911C>T (p.Ala637=)

Gene: AXIN2 (axin 2; minus strand). Cytogenetic location: 17q24.1.
Variant type: single nucleotide variant.
Coding change: c.1911C>T on transcript NM_004655.4 (MANE Select); coding-DNA position 1911, C replaced by T.
Protein change: p.Ala637=; no amino-acid change (alanine 637 retained).
Molecular consequence: synonymous variant.
Genome position (GRCh38, 1-based): chr17:65,536,550, G>A on the plus strand (C>T on the coding strand, the complement: AXIN2 is on the minus strand). VCF-style: chr17-65536550-G-A. GRCh37 (hg19) VCF-style: chr17-63532668-G-A.
Other names: c.1911C>T (LRG_296t1); c.1716C>T, p.Ala572= (NM_001363813.1).
Identifiers: ClinVar variation 464584 (VCV000464584.11), dbSNP rs1555577233, ClinGen allele CA501691022.